The following is an entry in ClinVar:

ClinVar aggregate classification (germline): Uncertain significance (1 of 4 stars; one submission).

gnomAD v4.1: 1 of 1,614,124 alleles (0.000062%); highest among the groups gnomAD compares: Non-Finnish European, 0.000085%; no homozygotes.

Submission:

Labcorp Genetics (formerly Invitae), Labcorp
Classification: Uncertain significance. Last evaluated: 2025-03-19. Review status: criteria provided, single submitter. Criteria: Invitae Variant Classification Sherloc (09022015). Collection method: clinical testing. Allele origin: germline.
Comment: This sequence change replaces lysine, which is basic and polar, with asparagine, which is neutral and polar, at codon 340 of the ZBTB18 protein (p.Lys340Asn). This variant is not present in population databases (gnomAD no frequency). This variant has not been reported in the literature in individuals affected with ZBTB18-related conditions. Invitae Evidence Modeling of protein sequence and biophysical properties (such as structural, functional, and spatial information, amino acid conservation, physicochemical variation, residue mobility, and thermodynamic stability) indicates that this missense variant is not expected to disrupt ZBTB18 protein function with a negative predictive value of 95%. In summary, the available evidence is currently insufficient to determine the role of this variant in disease. Therefore, it has been classified as a Variant of Uncertain Significance.

NM_205768.3(ZBTB18):c.1020A>C (p.Lys340Asn)

Gene: ZBTB18 (zinc finger and BTB domain containing 18; plus strand). Cytogenetic location: 1q44.
Variant type: single nucleotide variant.
Coding change: c.1020A>C on transcript NM_205768.3 (MANE Select); coding-DNA position 1020, A replaced by C.
Protein change: p.Lys340Asn; replaces lysine 340 with asparagine.
Molecular consequence: missense variant. On other transcripts: 3 prime UTR variant (1).
Genome position (GRCh38, 1-based): chr1:244,054,794, A>C. VCF-style: chr1-244054794-A-C. GRCh37 (hg19) VCF-style: chr1-244218096-A-C.
Other names: c.993A>C, p.Lys331Asn (NM_001278196.2, NM_006352.5); c.*197A>C (NM_001421566.1); short protein forms K331N, K340N.
Identifiers: ClinVar variation 4800134 (VCV004800134.1).